The following is an entry in ClinVar:

ClinVar aggregate classification (germline): Conflicting classifications of pathogenicity. Review status: criteria provided, conflicting classifications (1 of 4 stars). 3 submissions from 3 submitters: Uncertain significance (1); Likely benign (2). Last evaluated 2025-06-12.

Conditions:
Cornelia de Lange syndrome 1 (CDLS1). Also called: Brachmann de Lange syndrome; TYPUS DEGENERATIVUS AMSTELODAMENSIS; NIPBL-Related Cornelia de Lange Syndrome. Identifiers: Orphanet 199, MedGen C4551851, MONDO:0007387, OMIM 122470.
Inborn genetic diseases. Identifiers: MedGen C0950123, MeSH D030342.

Allele frequency attached by ClinVar (database versions not stated): ExAC 0.00001; gnomAD 0.00001; gnomAD exomes 0.00001 and 0.00002.
gnomAD v4.1: 17 of 1,613,836 alleles (0.0011%); highest among the groups gnomAD compares: East Asian, 0.018%; no homozygotes.

Submissions (3):

Labcorp Genetics (formerly Invitae), Labcorp
Classification: Uncertain significance for Cornelia de Lange syndrome 1. Last evaluated: 2025-06-12. Review status: criteria provided, single submitter. Criteria: Invitae Variant Classification Sherloc (09022015). Collection method: clinical testing. Allele origin: germline.
Comment: This sequence change replaces threonine, which is neutral and polar, with methionine, which is neutral and non-polar, at codon 2695 of the NIPBL protein (p.Thr2695Met). This variant is present in population databases (rs766898203, gnomAD 0.02%). This variant has not been reported in the literature in individuals affected with NIPBL-related conditions. ClinVar contains an entry for this variant (Variation ID: 1220369). Invitae Evidence Modeling of protein sequence and biophysical properties (such as structural, functional, and spatial information, amino acid conservation, physicochemical variation, residue mobility, and thermodynamic stability) has been performed for this missense variant. However, the output from this modeling did not meet the statistical confidence thresholds required to predict the impact of this variant on NIPBL protein function. In summary, the available evidence is currently insufficient to determine the role of this variant in disease. Therefore, it has been classified as a Variant of Uncertain Significance.

Ambry Genetics
Classification: Likely benign for Inborn genetic diseases. Last evaluated: 2022-03-03. Review status: criteria provided, single submitter. Criteria: Ambry Variant Classification Scheme 2023. Collection method: clinical testing. Allele origin: germline.

GeneDx
Classification: Likely benign. Last evaluated: 2021-05-11. Review status: criteria provided, single submitter. Criteria: GeneDx Variant Classification Process June 2021. Collection method: clinical testing. Allele origin: germline. Affected: yes.
Comment: Has not been previously published as pathogenic or benign to our knowledge; In silico analysis supports that this missense variant does not alter protein structure/function

NM_133433.4(NIPBL):c.8084C>T (p.Thr2695Met)

Gene: NIPBL (NIPBL cohesin loading factor; plus strand). Cytogenetic location: 5p13.2.
Variant type: single nucleotide variant.
Coding change: c.8084C>T on transcript NM_133433.4 (MANE Select); coding-DNA position 8084, C replaced by T.
Protein change: p.Thr2695Met; replaces threonine 2695 with methionine.
Molecular consequence: missense variant. On other transcripts: 3 prime UTR variant (1).
Genome position (GRCh38, 1-based): chr5:37,064,561, C>T. VCF-style: chr5-37064561-C-T. GRCh37 (hg19) VCF-style: chr5-37064663-C-T.
Other names: c.*538C>T (NM_015384.5); short protein forms T2695M.
Identifiers: ClinVar variation 1220369 (VCV001220369.8), dbSNP rs766898203, ClinGen allele CA3237335.